The following continues an entry in ClinVar:

NM_007294.4(BRCA1):c.815_824dup (p.Thr276fs)

Gene: BRCA1. ClinVar aggregate classification (germline): Pathogenic. Pathogenic (1).

Submissions 9 to 20 of 31:

ARUP Laboratories, Molecular Genetics and Genomics, ARUP Laboratories
Classification: Pathogenic. Last evaluated: 2025-02-11. Review status: criteria provided, single submitter. Criteria: ARUP Molecular Germline Variant Investigation Process 2024. Collection method: clinical testing. Allele origin: germline. Not counted in ClinVar's aggregate classification.
Comment: The BRCA1 c.815_824dup; Thr276AlafsTer14 variant (rs387906563, ClinVar Variation ID: 55723) is reported in multiple individuals affected with breast and ovarian cancer (Mefford 1999, Stoppa-Lyonnet 1997, Walsh 2011, Zayas-Villanueva 2019). This variant is only observed on two alleles in the Genome Aggregation Database (v2.1.1), indicating it is not a common polymorphism. This variant causes a frameshift by inserting 10 nucleotides, so it is predicted to result in a truncated protein or mRNA subject to nonsense-mediated decay. Based on available information, this variant is considered to be pathogenic. References: Mefford HC et al. Evidence for a BRCA1 founder mutation in families of West African ancestry. Am J Hum Genet. 1999 Aug;65(2):575-8. PMID: 10417303. Stoppa-Lyonnet D et al. BRCA1 sequence variations in 160 individuals referred to a breast/ovarian family cancer clinic. Institut Curie Breast Cancer Group. Am J Hum Genet. 1997 May;60(5):1021-30. PMID: 9150149. Walsh T et al. Mutations in 12 genes for inherited ovarian, fallopian tube, and peritoneal carcinoma identified by massively parallel sequencing. Proc Natl Acad Sci U S A. 2011 Nov 1;108(44):18032-7. PMID: 22006311. Zayas-Villanueva OA et al. Analysis of the pathogenic variants of BRCA1 and BRCA2 using next-generation sequencing in women with familial breast cancer: a case-control study. BMC Cancer. 2019 Jul 22;19(1):722. PMID: 31331294.

Ambry Genetics
Classification: Pathogenic for Hereditary cancer-predisposing syndrome. Last evaluated: 2024-10-29. Review status: criteria provided, single submitter. Criteria: Ambry Variant Classification Scheme 2023. Collection method: clinical testing. Allele origin: germline. Not counted in ClinVar's aggregate classification.
Comment: The c.815_824dup10 pathogenic mutation, located in coding exon 9 of the BRCA1 gene, results from a duplication of AGCCATGTGG at nucleotide position 815, causing a translational frameshift with a predicted alternate stop codon (p.T276Afs*14). This pathogenic mutation has been reported in numerous hereditary breast and ovarian cancer (HBOC) syndrome families, and it has been established as a founder mutation of West African origin (Stoppa-Lyonnet D et al. Am. J. Hum. Genet. 1997 May;60:1021-30; Mefford HC et al. Am. J. Hum. Genet. 1999 Aug;65:575-8; Panguluri RC et al. Hum. Genet. 1999 Jul-Aug;105:28-31; Pal T et al. Cancer Epidemiol. Biomarkers Prev. 2004 Nov;13:1794-9; Ferla R et al. Ann. Oncol. 2007 Jun;18 Suppl 6:vi93-8; Zhang J et al. Breast Cancer Res. Treat. 2012 Jul;134:889-94; Jara L et al. Biol. Res. 2017 Oct;50:35; Ndiaye R et al. NPJ Genom Med, 2020 Jan;5:8). Of note, this alteration is also designated as 943ins10 in published literature. In addition to the clinical data presented in the literature, this alteration is expected to result in loss of function by premature protein truncation or nonsense-mediated mRNA decay. As such, this alteration is interpreted as a disease-causing mutation.

Color Diagnostics, LLC DBA Color Health
Classification: Pathogenic for Hereditary cancer-predisposing syndrome. Last evaluated: 2024-08-23. Review status: criteria provided, single submitter. Criteria: ACMG Guidelines, 2015. Collection method: clinical testing. Allele origin: germline. Not counted in ClinVar's aggregate classification.
Comment: This variant inserts 10 nucleotides in exon 10 of the BRCA1 gene, creating a frameshift and premature translation stop signal. This variant is expected to result in an absent or non-functional protein product. This variant has been reported in at least fifteen individuals and over two dozen families affected with breast and ovarian cancer (PMID: 9150149, 10417303, 15533909, 19241424, 20838878, 21120943, 22006311, 21913181, 22739995, 26681312, 28503720, 28944232, 30322717, 32025337, 32341426, 33646313, 34413315) and prostate cancer (PMID: 32832836). Haplotype analysis suggests that this variant may be founder mutation originating from West African (PMID: 10417303, 32025337). This variant has been identified in 2/282168 chromosomes in the general population by the Genome Aggregation Database (gnomAD). Loss of BRCA1 function is a known mechanism of disease. Based on the available evidence, this variant is classified as Pathogenic.

Baylor Genetics
Classification: Pathogenic for Breast-ovarian cancer, familial, susceptibility to, 1. Last evaluated: 2024-03-20. Review status: criteria provided, single submitter. Criteria: ACMG Guidelines, 2015. Collection method: clinical testing. Allele origin: unknown. Not counted in ClinVar's aggregate classification.

Laboratory for Molecular Medicine, Mass General Brigham Personalized Medicine
Classification: Pathogenic for Hereditary breast ovarian cancer syndrome. Last evaluated: 2023-12-13. Review status: criteria provided, single submitter. Criteria: ACMG Guidelines, 2015. Collection method: clinical testing. Allele origin: germline. Not counted in ClinVar's aggregate classification.
Comment: The p.Thr276AlafsX14 variant in BRCA1 has been reported in multiple individuals with BRCA1-associated cancers bnand is believed to be a founder variant of African origin (Stoppa-Lyonnet 1997 PMID: 9150149, Mefford 1999 PMID: 10417303, Walsh 2011 PMID: 22006311, Buleje 2017 PMID: 28944232). This variant has also been reported by other clinical laboratories in ClinVar (Variation ID 55723) and has been identified in 0.01% (4/41360) of African or African American chromosomes by gnomAD (v.3.1.2). This frequency is low enough to be consistent with the frequency of hereditary breast and ovarian cancer (HBOC) in the general population. This variant is predicted to cause a frameshift, which alters the protein’s amino acid sequence beginning at position 276 and leads to a premature termination codon 14 amino acids downstream. This alteration is then predicted to lead to a truncated or absent protein. Heterozygous loss of function of the BRCA1 gene is an established disease mechanism in autosomal dominant HBOC. In the compound heterozygous or homozygous state, these variants are associated with autosomal recessive Fanconi anemia. In summary, this variant meets criteria to be classified as pathogenic for autosomal dominant HBOC. ACMG/AMP Criteria applied: PVS1, PS4_Moderate, PM2_Supporting.

Quest Diagnostics Nichols Institute San Juan Capistrano
Classification: Pathogenic. Last evaluated: 2023-05-01. Review status: criteria provided, single submitter. Criteria: Quest Diagnostics criteria. Collection method: clinical testing. Allele origin: unknown. Not counted in ClinVar's aggregate classification.
Comment: This frameshift variant alters the translational reading frame of the BRCA1 mRNA and causes the premature termination of BRCA1 protein synthesis. The frequency of this variant in the general population, 0.0000071 (2/282168 chromosomes), is consistent with pathogenicity. In the published literature, the variant has been reported in individuals with breast cancer (PMID: 33646313 (2021), 32341426 (2020), 31331294 (2019), 30262796 (2018)) and ovarian cancer (PMID: 30322717 (2018)). In addition, this variant has been reported as a founder mutation of African origin (PMID: 10417303 (1999), 21120943 (2011), 22762150 (2012)). Based on the available information, this variant is classified as pathogenic.

Revvity Omics, Revvity
Classification: Pathogenic. Last evaluated: 2023-04-13. Review status: criteria provided, single submitter. Criteria: ACMG Guidelines, 2015. Collection method: clinical testing. Allele origin: germline. Not counted in ClinVar's aggregate classification.

Mayo Clinic Laboratories, Mayo Clinic
Classification: Pathogenic. Last evaluated: 2022-08-05. Review status: criteria provided, single submitter. Criteria: ACMG Guidelines, 2015. Collection method: clinical testing. Allele origin: germline. Observed: 1 variant allele. Not counted in ClinVar's aggregate classification.
Comment: PP5, PM2, PVS1

Fulgent Genetics
Classification: Pathogenic for Familial cancer of breast; Breast-ovarian cancer, familial, susceptibility to, 1; Pancreatic cancer, susceptibility to, 4; Fanconi anemia, complementation group S. Last evaluated: 2021-12-01. Review status: criteria provided, single submitter. Criteria: ACMG Guidelines, 2015. Collection method: clinical testing. Allele origin: unknown. Not counted in ClinVar's aggregate classification.

Laboratorio de Genetica e Diagnostico Molecular, Hospital Israelita Albert Einstein
Classification: Pathogenic for Breast-ovarian cancer, familial, susceptibility to, 1. Last evaluated: 2021-10-06. Review status: criteria provided, single submitter. Criteria: ACMG Guidelines, 2015. Collection method: clinical testing. Allele origin: germline. Affected: yes. Not counted in ClinVar's aggregate classification.
Comment: ACMG classification criteria: PVS1 very strong, PS4 strong, PM2 moderate

Blueprint Genetics
Classification: Pathogenic for BRCA1-related disorders. Last evaluated: 2021-06-29. Review status: criteria provided, single submitter. Criteria: ACMG Guidelines, 2015. Collection method: clinical testing. Allele origin: germline. Affected: yes. Observed: 1 variant allele. Not counted in ClinVar's aggregate classification.

Sema4
Classification: Pathogenic for Hereditary cancer-predisposing syndrome. Last evaluated: 2021-03-29. Review status: criteria provided, single submitter. Criteria: Sema4 Curation Guidelines. Collection method: curation. Allele origin: germline. Not counted in ClinVar's aggregate classification.
Comment: The BRCA1 c.815_824dup (p.T276AfsX14) variant has been reported in several individuals with breast and/or ovarian cancer (PMID: 28944232, 32025337, 22006311, 10417303). This variant is a founder variant in the African population (PMID: 10417303). This variant causes a frameshift at amino acid 276 that results in premature termination 14 amino acids downstream. At this location, this is predicted to cause nonsense-mediated decay and result in an absent protein (loss of function). This variant was observed in 1/24966 chromosomes in the African/African American population according to the Genome Aggregation Database (PMID: 32461654). This variant has been reported in ClinVar (Variation ID: 55723). Based on the current evidence available, this variant is interpreted as pathogenic.